The following is an entry in ClinVar:

NM_002528.7(NTHL1):c.763C>A (p.Arg255Ser)

Gene: NTHL1 (nth like DNA glycosylase 1; minus strand). Cytogenetic location: 16p13.3.
Variant type: single nucleotide variant.
Coding change: c.763C>A on transcript NM_002528.7 (MANE Select); coding-DNA position 763, C replaced by A.
Protein change: p.Arg255Ser; replaces arginine 255 with serine.
Molecular consequence: missense variant.
Genome position (GRCh38, 1-based): chr16:2,040,161, G>T on the plus strand (C>A on the coding strand, the complement: NTHL1 is on the minus strand). VCF-style: chr16-2040161-G-T. GRCh37 (hg19) VCF-style: chr16-2090162-G-T.
Other names: c.592C>A, p.Arg198Ser (NM_001318193.2); c.433C>A, p.Arg145Ser (NM_001318194.2); short protein forms R198S, R145S, R255S.
Identifiers: ClinVar variation 3657614 (VCV003657614.2).
Genomic context (GRCh38, chr16:2,040,161, plus strand): 5'-TTCTCCCTAGGAAGCCCCCCACATACTCATACCTAGGCAGCCACTCCTCCAGGGCGGCGC[G>T]GGTCTCCTCTGGGGACTTGGTTGCCTTCTTGGTCCACCTCAGCCTGTTGGCGATTCTGTG-3'
Protein context (NP_002519.2, residues 245-265): KKATKSPEET[Arg255Ser]AALEEWLPRE

ClinVar aggregate classification (germline): Uncertain significance (1 of 4 stars; one submission).

Submission:

Labcorp Genetics (formerly Invitae), Labcorp
Classification: Uncertain significance. Last evaluated: 2024-06-24. Review status: criteria provided, single submitter. Criteria: Invitae Variant Classification Sherloc (09022015). Collection method: clinical testing. Allele origin: germline.
Comment: This sequence change replaces arginine, which is basic and polar, with serine, which is neutral and polar, at codon 263 of the NTHL1 protein (p.Arg263Ser). This variant is not present in population databases (gnomAD no frequency). This variant has not been reported in the literature in individuals affected with NTHL1-related conditions. An algorithm developed to predict the effect of missense changes on protein structure and function (PolyPhen-2) suggests that this variant is likely to be disruptive. In summary, the available evidence is currently insufficient to determine the role of this variant in disease. Therefore, it has been classified as a Variant of Uncertain Significance.